The following is an entry in ClinVar:

NM_000755.5(CRAT):c.910G>A (p.Val304Met)

Gene: CRAT (carnitine O-acetyltransferase; minus strand). Cytogenetic location: 9q34.11.
Variant type: single nucleotide variant.
Coding change: c.910G>A on transcript NM_000755.5 (MANE Select); coding-DNA position 910, G replaced by A.
Protein change: p.Val304Met; replaces valine 304 with methionine.
Molecular consequence: missense variant.
Genome position (GRCh38, 1-based): chr9:129,100,585, C>T on the plus strand (G>A on the coding strand, the complement: CRAT is on the minus strand). VCF-style: chr9-129100585-C-T. GRCh37 (hg19) VCF-style: chr9-131862864-C-T.
Other names: c.847G>A, p.Val283Met (NM_001257363.3, NM_001346548.2, NM_004003.4); c.913G>A, p.Val305Met (NM_001346546.2); c.910G>A, p.Val304Met (NM_001346547.2); c.790G>A, p.Val264Met (NM_001346549.2); short protein forms V264M, V283M, V304M, V305M.
Identifiers: ClinVar variation 2399262 (VCV002399262.5), dbSNP rs376896872, ClinGen allele CA5275572.

ClinVar aggregate classification (germline): Uncertain significance. Review status: criteria provided, multiple submitters, no conflicts (2 of 4 stars). 2 submissions from 2 submitters: Uncertain significance (2). Last evaluated 2025-10-12.

Allele frequency attached by ClinVar (database versions not stated): TOPMed 0.00005; ExAC 0.00002; ESP Exome Variant Server 0.00008; gnomAD 0.00004.

Submissions (2):

Labcorp Genetics (formerly Invitae), Labcorp
Classification: Uncertain significance. Last evaluated: 2025-10-12. Review status: criteria provided, single submitter. Criteria: Invitae Variant Classification Sherloc (09022015). Collection method: clinical testing. Allele origin: germline.
Comment: This sequence change replaces valine, which is neutral and non-polar, with methionine, which is neutral and non-polar, at codon 304 of the CRAT protein (p.Val304Met). This variant is present in population databases (rs376896872, gnomAD 0.01%). This variant has not been reported in the literature in individuals affected with CRAT-related conditions. ClinVar contains an entry for this variant (Variation ID: 2399262). Invitae Evidence Modeling of protein sequence and biophysical properties (such as structural, functional, and spatial information, amino acid conservation, physicochemical variation, residue mobility, and thermodynamic stability) indicates that this missense variant is not expected to disrupt CRAT protein function with a negative predictive value of 80%. In summary, the available evidence is currently insufficient to determine the role of this variant in disease. Therefore, it has been classified as a Variant of Uncertain Significance.

Ambry Genetics
Classification: Uncertain significance. Last evaluated: 2022-06-09. Review status: criteria provided, single submitter. Criteria: Ambry Variant Classification Scheme 2023. Collection method: clinical testing. Allele origin: germline.